The following is an entry in ClinVar:

NM_001004334.4(GPR179):c.3437C>T (p.Pro1146Leu)

Gene: GPR179 (G protein-coupled receptor 179; minus strand). Cytogenetic location: 17q12.
Variant type: single nucleotide variant.
Coding change: c.3437C>T on transcript NM_001004334.4 (MANE Select); coding-DNA position 3437, C replaced by T.
Protein change: p.Pro1146Leu; replaces proline 1146 with leucine.
Molecular consequence: missense variant.
Genome position (GRCh38, 1-based): chr17:38,330,132, G>A on the plus strand (C>T on the coding strand, the complement: GPR179 is on the minus strand). VCF-style: chr17-38330132-G-A. GRCh37 (hg19) VCF-style: chr17-36486015-G-A.
Other names: short protein forms P1146L.
Identifiers: ClinVar variation 1518563 (VCV001518563.8), dbSNP rs2037338455, ClinGen allele CA398879819.
Genomic context (GRCh38, chr17:38,330,132, plus strand): 5'-TGGAGCATCCTGCTGGTGTGAGCGTTCTGTTGGTTCTGGAGGGACTCCTTGTCATCGGAG[G>A]GGATAAGAGCGGCCTGCTTACTCACCGCCTTGGGCCGGCCTAGCCTGGGCGATCGGGAGG-3'
Protein context (NP_001004334.3, residues 1136-1156): KAVSKQAALI[Pro1146Leu]SDDKESLQNQ

ClinVar aggregate classification (germline): Uncertain significance (1 of 4 stars; one submission).

Submission:

Labcorp Genetics (formerly Invitae), Labcorp
Classification: Uncertain significance. Last evaluated: 2021-03-23. Review status: criteria provided, single submitter. Criteria: Invitae Variant Classification Sherloc (09022015). Collection method: clinical testing. Allele origin: germline.
Comment: In summary, the available evidence is currently insufficient to determine the role of this variant in disease. Therefore, it has been classified as a Variant of Uncertain Significance. Algorithms developed to predict the effect of missense changes on protein structure and function are either unavailable or do not agree on the potential impact of this missense change (SIFT: "Tolerated"; PolyPhen-2: "Possibly Damaging"; Align-GVGD: "Class C0"). This variant has not been reported in the literature in individuals with GPR179-related conditions. This variant is not present in population databases (ExAC no frequency). This sequence change replaces proline with leucine at codon 1146 of the GPR179 protein (p.Pro1146Leu). The proline residue is moderately conserved and there is a moderate physicochemical difference between proline and leucine.